The following is an entry in ClinVar:

NM_004006.3(DMD):c.*571A>G

Gene: DMD (dystrophin; minus strand). Cytogenetic location: Xp21.2.
Variant type: single nucleotide variant.
Coding change: c.*571A>G on transcript NM_004006.3 (MANE Select); 571 bases downstream of the stop codon, A replaced by G.
Molecular consequence: 3 prime UTR variant.
Genome position (GRCh38, 1-based): chrX:31,121,348, T>C on the plus strand (A>G on the coding strand, the complement: DMD is on the minus strand). VCF-style: chrX-31121348-T-C. GRCh37 (hg19) VCF-style: chrX-31139465-T-C.
Other names: c.*571A>G (NM_000109.4, NM_004009.3, NM_004010.3 and 7 more transcripts); c.*485A>G (NM_004016.3, NM_004018.3, NM_004021.3 and 2 more transcripts).
Identifiers: ClinVar variation 913901 (VCV000913901.4), dbSNP rs192963364, ClinGen allele CA328400691.

ClinVar aggregate classification (germline): Likely benign (1 of 4 stars; one submission).

Conditions:
Dilated cardiomyopathy 3B (CMD3B). Also called: CMD3B: DMD-Related Dilated Cardiomyopathy; CARDIOMYOPATHY, DILATED, X-LINKED; DMD-Associated Dilated Cardiomyopathy. Identifiers: Orphanet 154, MedGen C3668940, MONDO:0010542, OMIM 302045.

Allele frequency attached by ClinVar (database versions not stated): gnomAD exomes 0.00023; gnomAD 0.00261 and 0.00275; TOPMed 0.00272; 1000 Genomes Project 30x 0.00375; 1000 Genomes Project 0.00424.
gnomAD v4.1: 289 of 119,945 alleles (0.24%); highest among the groups gnomAD compares: African/African-American, 0.89%; 1 homozygote.

Submission:

Illumina Laboratory Services, Illumina
Classification: Likely benign for Dilated cardiomyopathy 3B. Last evaluated: 2018-01-13. Review status: criteria provided, single submitter. Criteria: ICSL Variant Classification Criteria 13 December 2019. Collection method: clinical testing. Allele origin: germline.
Comment: This variant was observed in the ICSL laboratory as part of a predisposition screen in an ostensibly healthy population. It had not been previously curated by ICSL or reported in the Human Gene Mutation Database (HGMD: prior to June 1st, 2018), and was therefore a candidate for classification through an automated scoring system. Utilizing variant allele frequency, disease prevalence and penetrance estimates, and inheritance mode, an automated score was calculated to assess if this variant is too frequent to cause the disease. Based on the score and internal cut-off values, a variant classified as likely benign is not then subjected to further curation. The score for this variant resulted in a classification of likely benign for this disease.